The following is an entry in ClinVar:

ClinVar aggregate classification (germline): Likely benign. Review status: criteria provided, multiple submitters, no conflicts (2 of 4 stars). 3 submissions from 3 submitters: Likely benign (3). Last evaluated 2024-10-16.

Conditions:
ANK3-related disorder. Also called: ANK3-related condition.

Allele frequency attached by ClinVar (database versions not stated): ESP Exome Variant Server 0.00023; 1000 Genomes Project 30x 0.00031; TOPMed 0.00015; gnomAD 0.00017; 1000 Genomes Project 0.00020.
gnomAD v4.1: 154 of 1,613,648 alleles (0.0095%); highest among the groups gnomAD compares: African/African-American, 0.047%; 2 homozygotes.

Submissions (3):

Labcorp Genetics (formerly Invitae), Labcorp
Classification: Likely benign. Last evaluated: 2024-10-16. Review status: criteria provided, single submitter. Criteria: Invitae Variant Classification Sherloc (09022015). Collection method: clinical testing. Allele origin: germline.

PreventionGenetics, part of Exact Sciences
Classification: Likely benign for ANK3-related condition. Last evaluated: 2024-10-09. Review status: criteria provided, single submitter. Criteria: ACMG Guidelines, 2015. Collection method: clinical testing. Allele origin: germline.
Comment: This variant is classified as likely benign based on ACMG/AMP sequence variant interpretation guidelines (Richards et al. 2015 PMID: 25741868, with internal and published modifications).

CeGaT Center for Human Genetics Tuebingen
Classification: Likely benign. Last evaluated: 2024-03-01. Review status: criteria provided, single submitter. Criteria: CeGaT Center For Human Genetics Tuebingen Variant Classification Criteria Version 2. Collection method: clinical testing. Allele origin: germline. Affected: yes. Observed: 2 variant alleles.
Comment: ANK3: BP4, BP7

NM_020987.5(ANK3):c.3969C>T (p.Pro1323=)

Gene: ANK3 (ankyrin 3; minus strand). Cytogenetic location: 10q21.2.
Variant type: single nucleotide variant.
Coding change: c.3969C>T on transcript NM_020987.5 (MANE Select); coding-DNA position 3969, C replaced by T.
Protein change: p.Pro1323=; no amino-acid change (proline 1323 retained).
Molecular consequence: synonymous variant.
Genome position (GRCh38, 1-based): chr10:60,084,707, G>A on the plus strand (C>T on the coding strand, the complement: ANK3 is on the minus strand). VCF-style: chr10-60084707-G-A. GRCh37 (hg19) VCF-style: chr10-61844465-G-A.
Other names: c.3969C>T (NM_020987.4); c.1371C>T, p.Pro457= (NM_001149.4); c.3951C>T, p.Pro1317= (NM_001204403.2); c.3972C>T, p.Pro1324= (NM_001204404.2); c.3969C>T, p.Pro1323= (NM_001320874.2).
Identifiers: ClinVar variation 1298485 (VCV001298485.40), dbSNP rs140104995, ClinGen allele CA5512362.
Genomic context (GRCh38, chr10:60,084,707, plus strand): 5'-CTCTAAAGTTTTGTCCACTTTGTCATCTGTCATGCAGAAACATCGCAAGGAAGATTCTAC[G>A]GGATCATTCATTTTGGCAAAAACAACAAACTTGGCCATATATGGAACACATATCAATTCT-3'
Protein context (NP_066267.2, residues 1313-1333): KFVVFAKMND[Pro1323=]VESSLRCFCM